The following is an entry in ClinVar:

NM_014297.5(ETHE1):c.534C>T (p.Val178=)

Gene: ETHE1 (ETHE1 persulfide dioxygenase; minus strand). Cytogenetic location: 19q13.31.
Variant type: single nucleotide variant.
Coding change: c.534C>T on transcript NM_014297.5 (MANE Select); coding-DNA position 534, C replaced by T.
Protein change: p.Val178=; no amino-acid change (valine 178 retained).
Molecular consequence: synonymous variant.
Genome position (GRCh38, 1-based): chr19:43,508,836, G>A on the plus strand (C>T on the coding strand, the complement: ETHE1 is on the minus strand). VCF-style: chr19-43508836-G-A. GRCh37 (hg19) VCF-style: chr19-44012988-G-A.
Other names: c.501C>T, p.Val167= (NM_001320867.2); c.165C>T, p.Val55= (NM_001320868.2); c.240C>T, p.Val80= (NM_001320869.2).
Identifiers: ClinVar variation 3029038 (VCV003029038.2), dbSNP rs1971848708, ClinGen allele CA507737141.
Genomic context (GRCh38, chr19:43,508,836, plus strand): 5'-ATGGTAATCGTGAGCAGGGTAGATCAGACAGTCTCCTGGAAGTGTGAAGATCTTTTCATG[G>A]ACCGAGTGGTACAAGGTCTTGGCACAGCCTGGGGAAGGAAAGATCAGAGGTCAGTGGATC-3'
Protein context (NP_055112.2, residues 168-188): QGCAKTLYHS[Val178=]HEKIFTLPGD

ClinVar aggregate classification (germline): Likely benign (0 of 4 stars; one submission).

Conditions:
ETHE1-related disorder. Also called: ETHE1-related condition.

Allele frequency attached by ClinVar (database versions not stated): gnomAD 0.00002; TOPMed below 0.00001.

Submission:

PreventionGenetics, part of Exact Sciences
Classification: Likely benign for ETHE1-related condition. Last evaluated: 2021-06-24. Review status: no assertion criteria provided. Collection method: clinical testing. Allele origin: germline.
Comment: This variant is classified as likely benign based on ACMG/AMP sequence variant interpretation guidelines (Richards et al. 2015 PMID: 25741868, with internal and published modifications).